The following is an entry in ClinVar:

NM_000268.4(NF2):c.380T>C (p.Leu127Ser)

Gene: NF2 (NF2, moesin-ezrin-radixin like (MERLIN) tumor suppressor; plus strand). Cytogenetic location: 22q12.2.
Variant type: single nucleotide variant.
Coding change: c.380T>C on transcript NM_000268.4 (MANE Select); coding-DNA position 380, T replaced by C.
Protein change: p.Leu127Ser; replaces leucine 127 with serine.
Molecular consequence: missense variant. On other transcripts: non-coding transcript variant (1), 5 prime UTR variant (1).
Genome position (GRCh38, 1-based): chr22:29,642,218, T>C. VCF-style: chr22-29642218-T-C. GRCh37 (hg19) VCF-style: chr22-30038207-T-C.
Other names: c.266T>C, p.Leu89Ser (NM_001407053.1, NM_001407056.1); c.257T>C, p.Leu86Ser (NM_001407054.1, NM_001407058.1, NM_001407062.1 and 1 more transcripts); c.254T>C, p.Leu85Ser (NM_001407055.1, NM_181828.3); c.380T>C, p.Leu127Ser (NM_001407057.1, NM_001407059.1, NM_001407060.1 and 5 more transcripts); c.131T>C, p.Leu44Ser (NM_001407063.1, NM_001407064.1, NM_181830.3 and 1 more transcripts); c.-261T>C (NM_001407065.1); c.149T>C, p.Leu50Ser (NM_001407067.1); short protein forms L127S, L44S, L50S, L85S, L86S, L89S.
Identifiers: ClinVar variation 4861013 (VCV004861013.1).

ClinVar aggregate classification (germline): Uncertain significance (1 of 4 stars; one submission).

Conditions:
Hereditary cancer-predisposing syndrome. Also called: Neoplastic Syndromes, Hereditary; Tumor predisposition; Hereditary Cancer Syndrome; Hereditary neoplastic syndrome. Identifiers: Orphanet 140162, MedGen C0027672, MeSH D009386, MONDO:0015356.

Submission:

Ambry Genetics
Classification: Uncertain significance for Hereditary cancer-predisposing syndrome. Last evaluated: 2026-03-28. Review status: criteria provided, single submitter. Criteria: Ambry Variant Classification Scheme 2023. Collection method: clinical testing. Allele origin: germline.
Comment: The p.L127S variant (also known as c.380T>C), located in coding exon 4 of the NF2 gene, results from a T to C substitution at nucleotide position 380. The leucine at codon 127 is replaced by serine, an amino acid with dissimilar properties. This amino acid position is conserved. In addition, this alteration is predicted to be deleterious by in silico analysis. Based on the available evidence, the clinical significance of this variant remains unclear.